The following is an entry in ClinVar:

NM_002691.4(POLD1):c.1137+16C>T

Gene: POLD1 (DNA polymerase delta 1, catalytic subunit; plus strand). Cytogenetic location: 19q13.33.
Variant type: single nucleotide variant.
Coding change: c.1137+16C>T on transcript NM_002691.4 (MANE Select); 16 bases into the intron after coding-DNA position 1137, C replaced by T.
Molecular consequence: intron variant.
Genome position (GRCh38, 1-based): chr19:50,403,235, C>T. VCF-style: chr19-50403235-C-T. GRCh37 (hg19) VCF-style: chr19-50906492-C-T.
Other names: c.1137+16C>T (LRG_785t2, NM_001308632.1, LRG_785t1 and 1 more transcripts).
Identifiers: ClinVar variation 371880 (VCV000371880.12), dbSNP rs56082047, ClinGen allele CA9596030.

ClinVar aggregate classification (germline): Benign/Likely benign. Review status: criteria provided, multiple submitters, no conflicts (2 of 4 stars). 4 submissions from 4 submitters: Benign (1); Likely benign (2). 1 of the submissions does not count toward it. Last evaluated 2026-01-28.

Conditions:
POLD1-related polyposis and colorectal cancer syndrome (CRCS10). Also called: Colorectal cancer, susceptibility to, 10; Colorectal cancer 10; COLORECTAL CANCER, SUSCEPTIBILITY TO, ON CHROMOSOME 19q. Identifiers: Orphanet 220460, MedGen C2675481, MONDO:0012953, OMIM 612591.

Allele frequency attached by ClinVar (database versions not stated): ESP Exome Variant Server 0.00008; gnomAD exomes 0.00009 and 0.00029; gnomAD 0.00023 and 0.00024; ExAC 0.00044; 1000 Genomes Project 0.00120; 1000 Genomes Project 30x 0.00172; TOPMed 0.00029.
gnomAD v4.1: 163 of 1,531,614 alleles (0.011%); highest among the groups gnomAD compares: East Asian, 0.18%; no homozygotes.

Submissions (4):

Labcorp Genetics (formerly Invitae), Labcorp
Classification: Benign for POLD1-related polyposis and colorectal cancer syndrome. Last evaluated: 2026-01-28. Review status: criteria provided, single submitter. Criteria: Invitae Variant Classification Sherloc (09022015). Collection method: clinical testing. Allele origin: germline.

Blueprint Genetics
Classification: Likely benign. Last evaluated: 2024-08-08. Review status: criteria provided, single submitter. Criteria: ACMG Guidelines, 2015. Collection method: clinical testing. Allele origin: germline.

GeneDx
Classification: Likely benign. Last evaluated: 2016-07-26. Review status: criteria provided, single submitter. Criteria: GeneDx Variant Classification (06012015). Collection method: clinical testing. Allele origin: germline. Affected: yes.
Comment: This variant is considered likely benign or benign based on one or more of the following criteria: it is a conservative change, it occurs at a poorly conserved position in the protein, it is predicted to be benign by multiple in silico algorithms, and/or has population frequency not consistent with disease.

Counsyl
Classification: Likely benign for POLD1-related polyposis and colorectal cancer syndrome. Last evaluated: 2016-07-12. Review status: no assertion criteria provided. Collection method: clinical testing. Allele origin: unknown. Not counted in ClinVar's aggregate classification.